The following is an entry in ClinVar:

ClinVar aggregate classification (germline): Pathogenic (1 of 4 stars; one submission).

Conditions:
Primary ciliary dyskinesia. Also called: Ciliary dyskinesia. Identifiers: Orphanet 244, MedGen C0008780, MONDO:0016575, HP:0012265.

Submission:

Labcorp Genetics (formerly Invitae), Labcorp
Classification: Pathogenic for Primary ciliary dyskinesia. Last evaluated: 2024-08-20. Review status: criteria provided, single submitter. Criteria: Invitae Variant Classification Sherloc (09022015). Collection method: clinical testing. Allele origin: germline.
Comment: This sequence change creates a premature translational stop signal (p.Glu762Glyfs*54) in the RPGR (ORF15) gene. While this is not anticipated to result in nonsense mediated decay, it is expected to disrupt the last 391 amino acid(s) of the RPGR (ORF15) protein. This variant is not present in population databases (gnomAD no frequency). This variant has not been reported in the literature in individuals affected with RPGR (ORF15)-related conditions. This variant disrupts a region of the RPGR (ORF15) protein in which other variant(s) (p.Leu1130Lysfs*13) have been determined to be pathogenic (PMID: 22264887; internal data). This suggests that this is a clinically significant region of the protein, and that variants that disrupt it are likely to be disease-causing. For these reasons, this variant has been classified as Pathogenic.

Literature cited by the submitters: PubMed 22264887.

NM_001034853.2(RPGR):c.2283_2284dup (p.Glu762fs)

Gene: RPGR (retinitis pigmentosa GTPase regulator; minus strand). Cytogenetic location: Xp11.4.
Variant type: Duplication.
Coding change: c.2283_2284dup on transcript NM_001034853.2 (MANE Select); coding-DNA positions 2283 to 2284, 2 bases duplicated (GG; older notation c.2283_2284dupGG).
Protein change: p.Glu762fs; shifts the reading frame from glutamic acid 762.
Molecular consequence: frameshift variant. On other transcripts: intron variant (8).
Genome position (GRCh38, 1-based): chrX:38,286,715-38,286,716, CC duplicated on the plus strand (GG on the coding strand, the reverse complement: RPGR is on the minus strand); duplicating any 2 consecutive bases within chrX:38,286,715-38,286,718 gives the same sequence; the c. name uses the placement nearest the transcript's 3' end. VCF-style (leftmost placement, unchanged base first): chrX-38286714-T-TCC. GRCh37 (hg19) VCF-style: chrX-38145967-T-TCC.
Other names: c.1569+4243_1569+4244dup (NM_001367249.1, NM_001367250.1); c.1902+378_1902+379dup (NM_001367245.1); c.1386+4243_1386+4244dup (NM_001367251.1); c.1719+378_1719+379dup (NM_001367246.1); c.1572+4243_1572+4244dup (NM_001367247.1); c.1905+378_1905+379dup (NM_000328.3); c.1602+4243_1602+4244dup (NM_001367248.1); short protein forms E762fs.
Identifiers: ClinVar variation 3663063 (VCV003663063.2).
Genomic context (GRCh38, chrX:38,286,714, plus strand): 5'-CCCGCTCTTTCCTCCTTTTTCCTCTCTCCTTCCTCCTTTTCACGTTCTCCCTCCACTTCT[T>TCC]CCCCTTCTCCTTCCTCTTTCCCTTCTCCCTCCTTCTCTTCTTCCTCTTCTCTGTCTCCCT-3'